The following is an entry in ClinVar:

NM_000465.4(BARD1):c.124G>T (p.Asp42Tyr)

Gene: BARD1 (BRCA1 associated RING domain 1; minus strand). Cytogenetic location: 2q35.
Variant type: single nucleotide variant.
Coding change: c.124G>T on transcript NM_000465.4 (MANE Select); coding-DNA position 124, G replaced by T.
Protein change: p.Asp42Tyr; replaces aspartic acid 42 with tyrosine.
Molecular consequence: missense variant. On other transcripts: non-coding transcript variant (3).
Genome position (GRCh38, 1-based): chr2:214,809,446, C>A on the plus strand (G>T on the coding strand, the complement: BARD1 is on the minus strand). VCF-style: chr2-214809446-C-A. GRCh37 (hg19) VCF-style: chr2-215674170-C-A.
Other names: c.124G>T, p.Asp42Tyr (NM_001282543.2, NM_001282545.2, NM_001282548.2 and 1 more transcripts); short protein forms D42Y.
Identifiers: ClinVar variation 818695 (VCV000818695.22), dbSNP rs762894716, ClinGen allele CA2090512.

ClinVar aggregate classification (germline): Uncertain significance. Review status: criteria provided, multiple submitters, no conflicts (2 of 4 stars). 5 submissions from 5 submitters: Uncertain significance (5). Last evaluated 2025-10-13.

Conditions:
Hereditary cancer-predisposing syndrome. Also called: Hereditary Cancer Syndrome; Neoplastic Syndromes, Hereditary; Tumor predisposition; Hereditary neoplastic syndrome. Identifiers: Orphanet 140162, MedGen C0027672, MeSH D009386, MONDO:0015356.
Familial cancer of breast. Also called: hereditary breast carcinoma; Hereditary breast cancer; BREAST CANCER, FAMILIAL. Identifiers: Orphanet 227535, MedGen C0346153, MONDO:0016419, OMIM 114480. Disease mechanism: loss of function.

Allele frequency attached by ClinVar (database versions not stated): gnomAD exomes below 0.00001; ExAC 0.00001; TOPMed 0.00001.
gnomAD v4.1: 2 of 1,611,780 alleles (0.00012%); highest among the groups gnomAD compares: Admixed American, 0.0017%; no homozygotes.

Submissions (5):

Labcorp Genetics (formerly Invitae), Labcorp
Classification: Uncertain significance for Familial cancer of breast. Last evaluated: 2025-10-13. Review status: criteria provided, single submitter. Criteria: Invitae Variant Classification Sherloc (09022015). Collection method: clinical testing. Allele origin: germline.
Comment: This sequence change replaces aspartic acid, which is acidic and polar, with tyrosine, which is neutral and polar, at codon 42 of the BARD1 protein (p.Asp42Tyr). The frequency data for this variant in the population databases is considered unreliable, as metrics indicate poor data quality at this position in the gnomAD database. This variant has not been reported in the literature in individuals affected with BARD1-related conditions. ClinVar contains an entry for this variant (Variation ID: 818695). An algorithm developed to predict the effect of missense changes on protein structure and function outputs the following: PolyPhen-2: "Benign". The tyrosine amino acid residue is found in multiple mammalian species, which suggests that this missense change does not adversely affect protein function. In summary, the available evidence is currently insufficient to determine the role of this variant in disease. Therefore, it has been classified as a Variant of Uncertain Significance.

Ambry Genetics
Classification: Uncertain significance for Hereditary cancer-predisposing syndrome. Last evaluated: 2024-12-09. Review status: criteria provided, single submitter. Criteria: Ambry Variant Classification Scheme 2023. Collection method: clinical testing. Allele origin: germline.
Comment: The p.D42Y variant (also known as c.124G>T), located in coding exon 1 of the BARD1 gene, results from a G to T substitution at nucleotide position 124. The aspartic acid at codon 42 is replaced by tyrosine, an amino acid with highly dissimilar properties. This amino acid position is poorly conserved in available vertebrate species. In addition, this alteration is predicted to be tolerated by in silico analysis. Since supporting evidence is limited at this time, the clinical significance of this alteration remains unclear.

Color Diagnostics, LLC DBA Color Health
Classification: Uncertain significance for Hereditary cancer-predisposing syndrome. Last evaluated: 2024-03-06. Review status: criteria provided, single submitter. Criteria: ACMG Guidelines, 2015. Collection method: clinical testing. Allele origin: germline.
Comment: This missense variant replaces aspartic acid with tyrosine at codon 42 of the BARD1 protein. Computational prediction suggests that this variant may not impact protein structure and function (internally defined REVEL score threshold <= 0.5, PMID: 27666373). To our knowledge, functional studies have not been reported for this variant. This variant has not been reported in individuals affected with hereditary cancer in the literature. This variant has not been identified in the general population by the Genome Aggregation Database (gnomAD). The available evidence is insufficient to determine the role of this variant in disease conclusively. Therefore, this variant is classified as a Variant of Uncertain Significance.

GeneDx
Classification: Uncertain significance. Last evaluated: 2023-11-01. Review status: criteria provided, single submitter. Criteria: GeneDx Variant Classification Process June 2021. Collection method: clinical testing. Allele origin: germline.
Comment: Not observed at significant frequency in large population cohorts (gnomAD); In silico analysis supports that this missense variant does not alter protein structure/function; Has not been previously published as pathogenic or benign to our knowledge; This variant is associated with the following publications: (PMID: 18480049)

Baylor Genetics
Classification: Uncertain significance for Familial cancer of breast. Last evaluated: 2023-09-17. Review status: criteria provided, single submitter. Criteria: ACMG Guidelines, 2015. Collection method: clinical testing. Allele origin: unknown.